The following is an entry in ClinVar:

NM_001083961.2(WDR62):c.2887G>A (p.Val963Met)

Gene: WDR62 (WD repeat domain 62; plus strand). Cytogenetic location: 19q13.12.
Variant type: single nucleotide variant.
Coding change: c.2887G>A on transcript NM_001083961.2 (MANE Select); coding-DNA position 2887, G replaced by A.
Protein change: p.Val963Met; replaces valine 963 with methionine.
Molecular consequence: missense variant.
Genome position (GRCh38, 1-based): chr19:36,101,233, G>A. VCF-style: chr19-36101233-G-A. GRCh37 (hg19) VCF-style: chr19-36592135-G-A.
Other names: p.Val963Met; c.2887G>A, p.Val963Met (NM_173636.5); short protein forms V963M.
Identifiers: ClinVar variation 195804 (VCV000195804.8), dbSNP rs113046428, ClinGen allele CA242422.
Genomic context (GRCh38, chr19:36,101,233, plus strand): 5'-CTGAAGTCCTTGTTCCCTCTCTGCCCCCACTGGCACTGCAGCCAGTATTGCAGGAAGGAG[G>A]TGGAGGCCGGGCCTGGAGACCAGCAGGGCGACTCCTACCTCAGGGTGTCCTCCGACAGCC-3'
Protein context (NP_001077430.1, residues 953-973): GTDSQYCRKE[Val963Met]EAGPGDQQGD

ClinVar aggregate classification (germline): Uncertain significance. Review status: criteria provided, multiple submitters, no conflicts (2 of 4 stars). 3 submissions from 3 submitters: Uncertain significance (3). Last evaluated 2022-10-07.

Allele frequency attached by ClinVar (database versions not stated): TOPMed below 0.00001; gnomAD exomes 0.00001 and 0.00002; gnomAD 0.00002.
gnomAD v4.1: 23 of 1,612,918 alleles (0.0014%); highest among the groups gnomAD compares: Non-Finnish European, 0.0019%; no homozygotes.

Submissions (3):

Mayo Clinic Laboratories, Mayo Clinic
Classification: Uncertain significance. Last evaluated: 2022-10-07. Review status: criteria provided, single submitter. Criteria: ACMG Guidelines, 2015. Collection method: clinical testing. Allele origin: germline. Observed: 1 variant allele.
Comment: BP4, PM2

GeneDx
Classification: Uncertain significance. Last evaluated: 2020-09-28. Review status: criteria provided, single submitter. Criteria: GeneDx Variant Classification Process June 2021. Collection method: clinical testing. Allele origin: germline. Affected: yes.
Comment: Not observed at a significant frequency in large population cohorts (Lek et al., 2016); In silico analysis, which includes protein predictors and evolutionary conservation, supports that this variant does not alter protein structure/function; Has not been previously published as pathogenic or benign to our knowledge

Eurofins Ntd Llc (ga)
Classification: Uncertain significance. Last evaluated: 2018-01-16. Review status: criteria provided, single submitter. Criteria: EGL Classification Definitions 2015. Collection method: clinical testing. Allele origin: germline. Observed: 2 variant alleles, 1 heterozygote.